The following is an entry in ClinVar:

NM_138711.6(PPARG):c.1206G>C (p.Lys402Asn)

Gene: PPARG (peroxisome proliferator activated receptor gamma; plus strand). Cytogenetic location: 3p25.2.
Variant type: single nucleotide variant.
Coding change: c.1206G>C on transcript NM_138711.6 (MANE Select); coding-DNA position 1206, G replaced by C.
Protein change: p.Lys402Asn; replaces lysine 402 with asparagine.
Molecular consequence: missense variant. On other transcripts: 3 prime UTR variant (4).
Genome position (GRCh38, 1-based): chr3:12,433,923, G>C. VCF-style: chr3-12433923-G-C. GRCh37 (hg19) VCF-style: chr3-12475422-G-C.
Other names: c.*8G>C (NM_001330615.4, NM_001374261.3, NM_001374262.3 and 1 more transcripts); c.1206G>C, p.Lys402Asn (NM_001354666.3, NM_001354667.3, NM_001374263.2 and 3 more transcripts); c.579G>C, p.Lys193Asn (NM_001354669.2); c.679G>C, p.Ala227Pro (NM_001374266.1); c.1296G>C, p.Lys432Asn (NM_015869.5); short protein forms K432N, K193N, A227P, K402N.
Identifiers: ClinVar variation 436403 (VCV000436403.10), dbSNP rs1437186245, ClinGen allele CA351467428.
Genomic context (GRCh38, chr3:12,433,923, plus strand): 5'-ACCCCCTGTTGTGTTTTCCATATGTGCTTCCCCAGACCGCCCAGGTTTGCTGAATGTGAA[G>C]CCCATTGAAGACATTCAAGACAACCTGCTACAAGCCCTGGAGCTCCAGCTGAAGCTGAAC-3'
Protein context (NP_619725.3, residues 392-412): SGDRPGLLNV[Lys402Asn]PIEDIQDNLL

ClinVar aggregate classification (germline): Uncertain significance. Review status: criteria provided, multiple submitters, no conflicts (2 of 4 stars). 3 submissions from 3 submitters: Uncertain significance (3). Last evaluated 2024-12-26.

Conditions:
PPARG-related disorder. Also called: PPARG-related condition; PPARG-related disorders.

Allele frequency attached by ClinVar (database versions not stated): gnomAD 0.00001; TOPMed 0.00001; gnomAD exomes 0.00002.
gnomAD v4.1: 36 of 1,614,098 alleles (0.0022%); highest among the groups gnomAD compares: Non-Finnish European, 0.0029%; no homozygotes.

Submissions (3):

PreventionGenetics, part of Exact Sciences
Classification: Uncertain significance for PPARG-related condition. Last evaluated: 2024-12-26. Review status: criteria provided, single submitter. Criteria: ACMG Guidelines, 2015. Collection method: clinical testing. Allele origin: germline.
Comment: The PPARG c.1296G>C variant is predicted to result in the amino acid substitution p.Lys432Asn. To our knowledge, this variant has not been reported in the literature or in a large population database (gnomAD), indicating this variant is rare. At this time, the clinical significance of this variant is uncertain due to the absence of conclusive functional and genetic evidence.

Labcorp Genetics (formerly Invitae), Labcorp
Classification: Uncertain significance. Last evaluated: 2023-09-19. Review status: criteria provided, single submitter. Criteria: Invitae Variant Classification Sherloc (09022015). Collection method: clinical testing. Allele origin: germline.
Comment: In summary, the available evidence is currently insufficient to determine the role of this variant in disease. Therefore, it has been classified as a Variant of Uncertain Significance. Advanced modeling of protein sequence and biophysical properties (such as structural, functional, and spatial information, amino acid conservation, physicochemical variation, residue mobility, and thermodynamic stability) performed at Invitae indicates that this missense variant is not expected to disrupt PPARG protein function. ClinVar contains an entry for this variant (Variation ID: 436403). This variant has not been reported in the literature in individuals affected with PPARG-related conditions. This variant is not present in population databases (gnomAD no frequency). This sequence change replaces lysine, which is basic and polar, with asparagine, which is neutral and polar, at codon 432 of the PPARG protein (p.Lys432Asn).

Genetic Services Laboratory, University of Chicago
Classification: Uncertain significance. Last evaluated: 2016-07-29. Review status: criteria provided, single submitter. Criteria: ACMG Guidelines, 2015. Collection method: clinical testing. Allele origin: germline. Affected: no.